The following is an entry in ClinVar:

NM_025114.4(CEP290):c.6499G>T (p.Glu2167Ter)

Gene: CEP290 (centrosomal protein 290; minus strand). Cytogenetic location: 12q21.32.
Variant type: single nucleotide variant.
Coding change: c.6499G>T on transcript NM_025114.4 (MANE Select); coding-DNA position 6499, G replaced by T.
Protein change: p.Glu2167Ter; replaces glutamic acid 2167 with a stop codon.
Molecular consequence: nonsense.
Genome position (GRCh38, 1-based): chr12:88,060,853, C>A on the plus strand (G>T on the coding strand, the complement: CEP290 is on the minus strand). VCF-style: chr12-88060853-C-A. GRCh37 (hg19) VCF-style: chr12-88454630-C-A.
Other names: short protein forms E2167*.
Identifiers: ClinVar variation 5014005 (VCV005014005.1).
Genomic context (GRCh38, chr12:88,060,853, plus strand): 5'-ATATTCCCCTAAAAATGATCACATTAAAAAAAATTACCTTCAATTTTTCATTTTCCTGCT[C>A]AATATTAGCCATTTTTTCACTAGTCAATATTCCTGATGCTTTTTTCAACTGTTCATTTTC-3'

ClinVar aggregate classification (germline): Pathogenic (1 of 4 stars; one submission).

Conditions:
CEP290-related ciliopathy. Also called: CEP290 ciliopathy. Identifiers: MedGen CN305601, MONDO:0100451.

Submission:

Myriad Genetics, Inc.
Classification: Pathogenic for CEP290-related ciliopathy. Last evaluated: 2025-01-22. Review status: criteria provided, single submitter. Criteria: Myriad Autosomal Dominant, Autosomal Recessive and X-Linked Classification Criteria (2023). Collection method: clinical testing. Allele origin: unknown.
Comment: NM_025114.3(CEP290):c.6499G>T(E2167*) is expected to be pathogenic in the context of CEP290-related disorders. This variant is predicted to lead to an abnormal or absent protein product due to the creation of a premature termination codon in CEP290, a gene where loss-of-function variants are known to be pathogenic. Please note: this variant was assessed in the context of healthy population screening.